The following is an entry in ClinVar:

NM_004530.6(MMP2):c.1161G>A (p.Trp387Ter)

Gene: MMP2 (matrix metallopeptidase 2; plus strand). Cytogenetic location: 16q12.2.
Variant type: single nucleotide variant.
Coding change: c.1161G>A on transcript NM_004530.6 (MANE Select); coding-DNA position 1161, G replaced by A.
Protein change: p.Trp387Ter; replaces tryptophan 387 with a stop codon.
Molecular consequence: nonsense.
Genome position (GRCh38, 1-based): chr16:55,489,805, G>A. VCF-style: chr16-55489805-G-A. GRCh37 (hg19) VCF-style: chr16-55523717-G-A.
Other names: c.1011G>A, p.Trp337Ter (NM_001127891.3); c.933G>A, p.Trp311Ter (NM_001302508.1, NM_001302509.2, NM_001302510.2); short protein forms W311*, W337*, W387*.
Identifiers: ClinVar variation 3908086 (VCV003908086.1).

ClinVar aggregate classification (germline): Pathogenic (1 of 4 stars; one submission).

Conditions:
Multicentric osteolysis, nodulosis, and arthropathy (MONA). Also called: Torg-Winchester syndrome; AL-AQEEL SEWAIRI SYNDROME; OSTEOLYSIS, HEREDITARY MULTICENTRIC; TORG SYNDROME; NAO SYNDROME. Identifiers: MedGen CN322832, MONDO:0009809, OMIM 259600.

Submission:

Kasturba Medical College, Manipal, Kasturba Medical College, Manipal, Manipal Academy of Higher Education, Manipal, India
Classification: Pathogenic for Multicentric osteolysis, nodulosis, and arthropathy. Review status: criteria provided, single submitter. Criteria: ACMG Guidelines, 2015. Collection method: research. Allele origin: biparental. Inheritance: Autosomal recessive inheritance. Affected: yes. Observed: 1 homozygote.
Comment: The variant is absent in gnomAD (v4.1.0) and in our in-house database of 3673 exomes in homozygous and/or heterozygous state. This variant introduces a premature termination codon and is predicted to either result in a truncated protein or cause the transcript to undergo nonsense mediated mRNA decay.